The following is an entry in ClinVar:

NM_000059.4(BRCA2):c.1586T>A (p.Phe529Tyr)

Gene: BRCA2 (BRCA2 DNA repair associated; plus strand). Cytogenetic location: 13q13.1.
Variant type: single nucleotide variant.
Coding change: c.1586T>A on transcript NM_000059.4 (MANE Select); coding-DNA position 1586, T replaced by A.
Protein change: p.Phe529Tyr; replaces phenylalanine 529 with tyrosine.
Molecular consequence: missense variant.
Genome position (GRCh38, 1-based): chr13:32,333,064, T>A. VCF-style: chr13-32333064-T-A. GRCh37 (hg19) VCF-style: chr13-32907201-T-A.
Other names: short protein forms F529Y.
Identifiers: ClinVar variation 630559 (VCV000630559.6), dbSNP rs1566223912, ClinGen allele CA387764781.

ClinVar aggregate classification (germline): Conflicting classifications of pathogenicity. Review status: criteria provided, conflicting classifications (1 of 4 stars). 3 submissions from 3 submitters: Uncertain significance (1); Likely benign (2). Last evaluated 2024-06-28.

Conditions:
Hereditary cancer-predisposing syndrome. Also called: Tumor predisposition; Neoplastic Syndromes, Hereditary; Hereditary neoplastic syndrome; Hereditary Cancer Syndrome. Identifiers: Orphanet 140162, MedGen C0027672, MeSH D009386, MONDO:0015356.

Submissions (3):

Ambry Genetics
Classification: Likely benign for Hereditary cancer-predisposing syndrome. Last evaluated: 2024-06-28. Review status: criteria provided, single submitter. Criteria: Ambry Variant Classification Scheme 2023. Collection method: clinical testing. Allele origin: germline.

University of Washington Department of Laboratory Medicine, University of Washington
Classification: Likely benign for Hereditary cancer-predisposing syndrome. Last evaluated: 2023-03-23. Review status: criteria provided, single submitter. Criteria: Dines et al. (Genet Med. 2020). Collection method: curation. Allele origin: germline.
Comment: Missense variant in a coldspot region where missense variants are very unlikely to be pathogenic (PMID:31911673).

BRCA2 exon 10 coldspot. Reclassification based on statistical prior probability.

Color Diagnostics, LLC DBA Color Health
Classification: Uncertain significance for Hereditary cancer-predisposing syndrome. Last evaluated: 2019-01-05. Review status: criteria provided, single submitter. Criteria: ACMG Guidelines, 2015. Collection method: clinical testing. Allele origin: germline.